The following is an entry in ClinVar:

NM_001457.4(FLNB):c.6029G>A (p.Arg2010His)

Gene: FLNB (filamin B; plus strand). Cytogenetic location: 3p14.3.
Variant type: single nucleotide variant.
Coding change: c.6029G>A on transcript NM_001457.4 (MANE Select); coding-DNA position 6029, G replaced by A.
Protein change: p.Arg2010His; replaces arginine 2010 with histidine.
Molecular consequence: missense variant.
Genome position (GRCh38, 1-based): chr3:58,148,790, G>A. VCF-style: chr3-58148790-G-A. GRCh37 (hg19) VCF-style: chr3-58134517-G-A.
Other names: c.6122G>A, p.Arg2041His (NM_001164317.2); c.5996G>A, p.Arg1999His (NM_001164318.2); c.5957G>A, p.Arg1986His (NM_001164319.2); short protein forms R1986H, R1999H, R2010H, R2041H.
Identifiers: ClinVar variation 1058417 (VCV001058417.7), dbSNP rs188216614, ClinGen allele CA2469229.
Genomic context (GRCh38, chr3:58,148,790, plus strand): 5'-TGTCTATCATGGTGGTCCAGTCGGAGATTGGTGACGCCCGCCGAGCCAAAGTCTATGGCC[G>A]CGGCCTGTCAGAAGGCCGGACTTTCGAGATGTCTGACTTCATCGTGGACACAAGGGATGC-3'
Protein context (NP_001448.2, residues 2000-2020): GDARRAKVYG[Arg2010His]GLSEGRTFEM

ClinVar aggregate classification (germline): Conflicting classifications of pathogenicity. Review status: criteria provided, conflicting classifications (1 of 4 stars). 2 submissions from 2 submitters: Uncertain significance (1); Likely benign (1). Last evaluated 2025-05-21.

Allele frequency attached by ClinVar (database versions not stated): gnomAD 0.00001 and 0.00002; ExAC 0.00002; TOPMed 0.00002; gnomAD exomes 0.00003 and 0.00005; 1000 Genomes Project 0.00020; 1000 Genomes Project 30x 0.00031.
gnomAD v4.1: 72 of 1,614,088 alleles (0.0045%); highest among the groups gnomAD compares: Non-Finnish European, 0.0053%; no homozygotes.

Submissions (2):

Labcorp Genetics (formerly Invitae), Labcorp
Classification: Likely benign. Last evaluated: 2025-05-21. Review status: criteria provided, single submitter. Criteria: Invitae Variant Classification Sherloc (09022015). Collection method: clinical testing. Allele origin: germline.

GeneDx
Classification: Uncertain significance. Last evaluated: 2021-03-01. Review status: criteria provided, single submitter. Criteria: GeneDx Variant Classification Process June 2021. Collection method: clinical testing. Allele origin: germline. Affected: yes.
Comment: In silico analysis supports that this missense variant does not alter protein structure/function; Has not been previously published as pathogenic or benign to our knowledge